The following is an entry in ClinVar:

ClinVar aggregate classification (germline): Likely benign. Review status: criteria provided, multiple submitters, no conflicts (2 of 4 stars). 4 submissions from 4 submitters: Likely benign (4). Last evaluated 2026-01-13.

Conditions:
CDH23-related disorder. Also called: CDH23-related disorders; CDH23-related condition.

Allele frequency attached by ClinVar (database versions not stated): 1000 Genomes Project 30x 0.00031.
gnomAD v4.1: 119 of 1,613,902 alleles (0.0074%); highest among the groups gnomAD compares: East Asian, 0.06%; no homozygotes.

Submissions (4):

Labcorp Genetics (formerly Invitae), Labcorp
Classification: Likely benign. Last evaluated: 2026-01-13. Review status: criteria provided, single submitter. Criteria: Invitae Variant Classification Sherloc (09022015). Collection method: clinical testing. Allele origin: germline.

PreventionGenetics, part of Exact Sciences
Classification: Likely benign for CDH23-related condition. Last evaluated: 2025-06-18. Review status: criteria provided, single submitter. Criteria: ACMG Guidelines, 2015. Collection method: clinical testing. Allele origin: germline.
Comment: This variant is classified as likely benign based on ACMG/AMP sequence variant interpretation guidelines (Richards et al. 2015 PMID: 25741868, with internal and published modifications).

Blueprint Genetics
Classification: Likely benign. Last evaluated: 2023-11-15. Review status: criteria provided, single submitter. Criteria: ACMG Guidelines, 2015. Collection method: clinical testing. Allele origin: germline.

GeneDx
Classification: Likely benign. Last evaluated: 2021-03-09. Review status: criteria provided, single submitter. Criteria: GeneDx Variant Classification Process June 2021. Collection method: clinical testing. Allele origin: germline. Affected: yes.

NM_022124.6(CDH23):c.5418C>T (p.Asp1806=)

Gene: CDH23 (cadherin related 23; plus strand). Cytogenetic location: 10q22.1.
Variant type: single nucleotide variant.
Coding change: c.5418C>T on transcript NM_022124.6 (MANE Select); coding-DNA position 5418, C replaced by T.
Protein change: p.Asp1806=; no amino-acid change (aspartic acid 1806 retained).
Molecular consequence: synonymous variant.
Genome position (GRCh38, 1-based): chr10:71,784,336, C>T. VCF-style: chr10-71784336-C-T. GRCh37 (hg19) VCF-style: chr10-73544093-C-T.
Identifiers: ClinVar variation 1082260 (VCV001082260.13), dbSNP rs74145660, ClinGen allele CA5545745.